The following is an entry in ClinVar:

ClinVar aggregate classification (germline): Uncertain significance (1 of 4 stars; one submission).

Conditions:
PGM1-congenital disorder of glycosylation. Also called: PHOSPHOGLUCOMUTASE 1 DEFICIENCY; PGM1 DEFICIENCY; GLYCOGEN STORAGE DISEASE XIV; Congenital disorder of glycosylation type 1t; GSD XIV; CDG It. Identifiers: Orphanet 319646, MedGen C2752015, MONDO:0013968, OMIM 614921.

Allele frequency attached by ClinVar (database versions not stated): gnomAD 0.00002 and 0.00003; TOPMed 0.00002; 1000 Genomes Project 30x 0.00016; 1000 Genomes Project 0.00020.

Submission:

Labcorp Genetics (formerly Invitae), Labcorp
Classification: Uncertain significance for PGM1-congenital disorder of glycosylation. Last evaluated: 2021-08-02. Review status: criteria provided, single submitter. Criteria: Invitae Variant Classification Sherloc (09022015). Collection method: clinical testing. Allele origin: germline.
Comment: This sequence change replaces serine with asparagine at codon 201 of the PGM1 protein (p.Ser201Asn). The serine residue is weakly conserved and there is a small physicochemical difference between serine and asparagine. This variant is present in population databases (rs139241922, ExAC 0.001%). This variant has not been reported in the literature in individuals affected with PGM1-related conditions. Algorithms developed to predict the effect of missense changes on protein structure and function output the following: SIFT: "Tolerated"; PolyPhen-2: "Benign"; Align-GVGD: "Class C0". The asparagine amino acid residue is found in multiple mammalian species, which suggests that this missense change does not adversely affect protein function. In summary, the available evidence is currently insufficient to determine the role of this variant in disease. Therefore, it has been classified as a Variant of Uncertain Significance.

NM_002633.3(PGM1):c.602G>A (p.Ser201Asn)

Gene: PGM1 (phosphoglucomutase 1; plus strand). Cytogenetic location: 1p31.3.
Variant type: single nucleotide variant.
Coding change: c.602G>A on transcript NM_002633.3 (MANE Select); coding-DNA position 602, G replaced by A.
Protein change: p.Ser201Asn; replaces serine 201 with asparagine.
Molecular consequence: missense variant.
Genome position (GRCh38, 1-based): chr1:63,631,702, G>A. VCF-style: chr1-63631702-G-A. GRCh37 (hg19) VCF-style: chr1-64097373-G-A.
Other names: c.656G>A, p.Ser219Asn (NM_001172818.1); c.11G>A, p.Ser4Asn (NM_001172819.2); short protein forms S201N, S4N, S219N.
Identifiers: ClinVar variation 1422119 (VCV001422119.3), dbSNP rs139241922, ClinGen allele CA889582.